The following is an entry in ClinVar:

NM_012293.3(PXDN):c.631G>A (p.Ala211Thr)

Gene: PXDN (peroxidasin; minus strand). Cytogenetic location: 2p25.3.
Variant type: single nucleotide variant.
Coding change: c.631G>A on transcript NM_012293.3 (MANE Select); coding-DNA position 631, G replaced by A.
Protein change: p.Ala211Thr; replaces alanine 211 with threonine.
Molecular consequence: missense variant.
Genome position (GRCh38, 1-based): chr2:1,680,292, C>T on the plus strand (G>A on the coding strand, the complement: PXDN is on the minus strand). VCF-style: chr2-1680292-C-T. GRCh37 (hg19) VCF-style: chr2-1684064-C-T.
Other names: c.631G>A (NM_012293.2); short protein forms A211T.
Identifiers: ClinVar variation 4951750 (VCV004951750.2).
Genomic context (GRCh38, chr2:1,680,292, plus strand): 5'-GTCCCTGGATGCGTCTGGGATATTCACAGATGGCCGCTGCCTGCGCGTTCCCCGACTCCG[C>T]GTAGGTTTTCAGCAAATCCGCCAACCACAGGATTTCACAGTCGCAGTGAAGTGTGTTTGA-3'
Protein context (NP_036425.1, residues 201-221): LWLADLLKTY[Ala211Thr]ESGNAQAAAI

ClinVar aggregate classification (germline): Uncertain significance. Review status: criteria provided, multiple submitters, no conflicts (2 of 4 stars). 2 submissions from 2 submitters: Uncertain significance (2). Last evaluated 2025-09-04.

Conditions:
PXDN-related disorder. Also called: PXDN-related condition.

gnomAD v4.1: 32 of 1,613,874 alleles (0.002%); highest among the groups gnomAD compares: South Asian, 0.022%; 1 homozygote.

Submissions (2):

PreventionGenetics, part of Exact Sciences
Classification: Uncertain significance for PXDN-related condition. Last evaluated: 2025-09-04. Review status: criteria provided, single submitter. Criteria: ACMG Guidelines, 2015. Collection method: clinical testing. Allele origin: germline.
Comment: The PXDN c.631G>A variant is predicted to result in the amino acid substitution p.Ala211Thr. To our knowledge, this variant has not been reported in the literature. This variant is reported in 0.023% of alleles in individuals of South Asian descent in gnomAD. At this time, the clinical significance of this variant is uncertain due to the absence of conclusive functional and genetic evidence.

Blueprint Genetics
Classification: Uncertain significance. Last evaluated: 2022-12-16. Review status: criteria provided, single submitter. Criteria: ACMG Guidelines, 2015. Collection method: clinical testing. Allele origin: germline.